The following is an entry in ClinVar:

ClinVar aggregate classification (germline): Uncertain significance (1 of 4 stars; one submission).

Conditions:
Congenital disorder of glycosylation type 1E (CDG1E). Also called: CDG Ie; CONGENITAL DISORDER OF GLYCOSYLATION, TYPE Ie. Identifiers: Orphanet 79322, MedGen C1837396, MONDO:0012123, OMIM 608799.

Submission:

Labcorp Genetics (formerly Invitae), Labcorp
Classification: Uncertain significance for Congenital disorder of glycosylation type 1E. Last evaluated: 2024-02-24. Review status: criteria provided, single submitter. Criteria: Invitae Variant Classification Sherloc (09022015). Collection method: clinical testing. Allele origin: germline.
Comment: This sequence change replaces glycine, which is neutral and non-polar, with arginine, which is basic and polar, at codon 150 of the DPM1 protein (p.Gly150Arg). This variant is not present in population databases (gnomAD no frequency). This variant has not been reported in the literature in individuals affected with DPM1-related conditions. ClinVar contains an entry for this variant (Variation ID: 2124268). An algorithm developed to predict the effect of missense changes on protein structure and function (PolyPhen-2) suggests that this variant is likely to be tolerated. In summary, the available evidence is currently insufficient to determine the role of this variant in disease. Therefore, it has been classified as a Variant of Uncertain Significance.

NM_003859.3(DPM1):c.448G>A (p.Gly150Arg)

Genes: DPM1 (dolichyl-phosphate mannosyltransferase subunit 1, catalytic; minus strand), ADNP-AS1 (ADNP antisense RNA 1; plus strand). Cytogenetic location: 20q13.13.
Variant type: single nucleotide variant.
Coding change: c.448G>A on transcript NM_003859.3 (MANE Select); coding-DNA position 448, G replaced by A.
Protein change: p.Gly150Arg; replaces glycine 150 with arginine.
Molecular consequence: missense variant. On other transcripts: non-coding transcript variant (1).
Genome position (GRCh38, 1-based): chr20:50,942,077, C>T on the plus strand (G>A on the coding strand, the complement: DPM1 is on the minus strand). VCF-style: chr20-50942077-C-T. GRCh37 (hg19) VCF-style: chr20-49558614-C-T.
Other names: c.448G>A, p.Gly150Arg (NM_001317034.1, NM_001317035.1, NM_001317036.1); short protein forms G150R.
Identifiers: ClinVar variation 2124268 (VCV002124268.4), dbSNP rs2515714774, ClinGen allele CA408989278.
Genomic context (GRCh38, chr20:50,942,077, plus strand): 5'-ACACATGTACCTACCTGATTATTTTTCTTTTCAAATCCCAGCCATATACACCTCCATTTC[C>T]TTTGTAGCGAGTTCCAGAGACAATATCAAAATTACCCTCCTTTTGCTTCCTGTAGAATAA-3'
Protein context (NP_003850.1, residues 140-160): FDIVSGTRYK[Gly150Arg]NGGVYGWDLK